The following is an entry in ClinVar:

NM_130839.5(UBE3A):c.1815T>C (p.Thr605=)

Genes: SNHG14 (small nucleolar RNA host gene 14; plus strand), UBE3A (ubiquitin protein ligase E3A; minus strand). Cytogenetic location: 15q11.2.
Variant type: single nucleotide variant.
Coding change: c.1815T>C on transcript NM_130839.5 (MANE Select); coding-DNA position 1815, T replaced by C.
Protein change: p.Thr605=; no amino-acid change (threonine 605 retained).
Molecular consequence: synonymous variant. On other transcripts: non-coding transcript variant (1).
Genome position (GRCh38, 1-based): chr15:25,356,835, A>G on the plus strand (T>C on the coding strand, the complement: UBE3A is on the minus strand). VCF-style: chr15-25356835-A-G. GRCh37 (hg19) VCF-style: chr15-25601982-A-G.
Other names: c.1824T>C, p.Thr608= (NM_000462.5); c.1815T>C, p.Thr605= (NM_001354505.1, NM_001354538.2, NM_001354545.2); c.1755T>C, p.Thr585= (NM_001354506.2, NM_001354507.2, NM_001354508.2 and 17 more transcripts); c.1638T>C, p.Thr546= (NM_001354546.2); c.564T>C, p.Thr188= (NM_001354550.2); c.504T>C, p.Thr168= (NM_001354551.2).
Identifiers: ClinVar variation 3029366 (VCV003029366.2), dbSNP rs1437989238, ClinGen allele CA488921230.

ClinVar aggregate classification (germline): Likely benign (0 of 4 stars; one submission).

Conditions:
UBE3A-related disorder. Also called: UBE3A-related condition.

Allele frequency attached by ClinVar (database versions not stated): gnomAD exomes below 0.00001; TOPMed below 0.00001; gnomAD 0.00002.

Submission:

PreventionGenetics, part of Exact Sciences
Classification: Likely benign for UBE3A-related condition. Last evaluated: 2021-10-04. Review status: no assertion criteria provided. Collection method: clinical testing. Allele origin: germline.
Comment: This variant is classified as likely benign based on ACMG/AMP sequence variant interpretation guidelines (Richards et al. 2015 PMID: 25741868, with internal and published modifications).